The following is an entry in ClinVar:

NM_205836.3(FBXO38):c.1492G>A (p.Asp498Asn)

Gene: FBXO38 (F-box protein 38; plus strand). Cytogenetic location: 5q32.
Variant type: single nucleotide variant.
Coding change: c.1492G>A on transcript NM_205836.3 (MANE Select); coding-DNA position 1492, G replaced by A.
Protein change: p.Asp498Asn; replaces aspartic acid 498 with asparagine.
Molecular consequence: missense variant.
Genome position (GRCh38, 1-based): chr5:148,417,078, G>A. VCF-style: chr5-148417078-G-A. GRCh37 (hg19) VCF-style: chr5-147796641-G-A.
Other names: c.1492G>A, p.Asp498Asn (NM_001271723.2, NM_030793.5); short protein forms D498N.
Identifiers: ClinVar variation 1773816 (VCV001773816.7), dbSNP rs748833930, ClinGen allele CA3497294.

ClinVar aggregate classification (germline): Uncertain significance. Review status: criteria provided, multiple submitters, no conflicts (2 of 4 stars). 2 submissions from 2 submitters: Uncertain significance (2). Last evaluated 2022-09-12.

Conditions:
Distal hereditary motor neuropathy type 2. Identifiers: Orphanet 139525, MedGen C3711384, MeSH C580044, MONDO:0015352.

Allele frequency attached by ClinVar (database versions not stated): TOPMed below 0.00001; ExAC 0.00001.
gnomAD v4.1: 17 of 1,613,258 alleles (0.0011%); highest among the groups gnomAD compares: South Asian, 0.0022%; no homozygotes.

Submissions (2):

Labcorp Genetics (formerly Invitae), Labcorp
Classification: Uncertain significance for Distal hereditary motor neuropathy type 2. Last evaluated: 2022-09-12. Review status: criteria provided, single submitter. Criteria: Invitae Variant Classification Sherloc (09022015). Collection method: clinical testing. Allele origin: germline.
Comment: This variant is present in population databases (rs748833930, gnomAD 0.003%). This sequence change replaces aspartic acid, which is acidic and polar, with asparagine, which is neutral and polar, at codon 498 of the FBXO38 protein (p.Asp498Asn). This variant has not been reported in the literature in individuals affected with FBXO38-related conditions. Advanced modeling of protein sequence and biophysical properties (such as structural, functional, and spatial information, amino acid conservation, physicochemical variation, residue mobility, and thermodynamic stability) performed at Invitae indicates that this missense variant is not expected to disrupt FBXO38 protein function. In summary, the available evidence is currently insufficient to determine the role of this variant in disease. Therefore, it has been classified as a Variant of Uncertain Significance.

Ambry Genetics
Classification: Uncertain significance. Last evaluated: 2021-12-07. Review status: criteria provided, single submitter. Criteria: Ambry Variant Classification Scheme 2023. Collection method: clinical testing. Allele origin: germline.
Comment: The p.D498N variant (also known as c.1492G>A), located in coding exon 11 of the FBXO38 gene, results from a G to A substitution at nucleotide position 1492. The aspartic acid at codon 498 is replaced by asparagine, an amino acid with highly similar properties. This amino acid position is well conserved in available vertebrate species. In addition, this alteration is predicted to be tolerated by in silico analysis. Since supporting evidence is limited at this time, the clinical significance of this alteration remains unclear.